The following is an entry in ClinVar:

NM_022166.4(XYLT1):c.41C>T (p.Ser14Leu)

Gene: XYLT1 (xylosyltransferase 1; minus strand). Cytogenetic location: 16p12.3.
Variant type: single nucleotide variant.
Coding change: c.41C>T on transcript NM_022166.4 (MANE Select); coding-DNA position 41, C replaced by T.
Protein change: p.Ser14Leu; replaces serine 14 with leucine.
Molecular consequence: missense variant.
Genome position (GRCh38, 1-based): chr16:17,470,756, G>A on the plus strand (C>T on the coding strand, the complement: XYLT1 is on the minus strand). VCF-style: chr16-17470756-G-A. GRCh37 (hg19) VCF-style: chr16-17564613-G-A.
Other names: c.41C>T (NM_022166.3); short protein forms S14L.
Identifiers: ClinVar variation 1423491 (VCV001423491.9), dbSNP rs558470371, ClinGen allele CA7928298.

ClinVar aggregate classification (germline): Uncertain significance. Review status: criteria provided, multiple submitters, no conflicts (2 of 4 stars). 2 submissions from 2 submitters: Uncertain significance (2). Last evaluated 2024-11-14.

Conditions:
Desbuquois dysplasia 1 (DBQD1). Also called: MICROMELIC DWARFISM WITH VERTEBRAL AND METAPHYSEAL ABNORMALITIES AND ADVANCED CARPOTARSAL OSSIFICATION; DESBUQUOIS DYSPLASIA 1, KIM VARIANT. Identifiers: Orphanet 1425, MedGen C4012146, MONDO:0009629, OMIM 251450.
Inborn genetic diseases. Identifiers: MedGen C0950123, MeSH D030342.

Allele frequency attached by ClinVar (database versions not stated): TOPMed 0.00006; gnomAD exomes 0.00007; gnomAD 0.00008 and 0.00009; 1000 Genomes Project 30x 0.00016; ExAC 0.00019; 1000 Genomes Project 0.00020.
gnomAD v4.1: 225 of 1,097,614 alleles (0.02%); highest among the groups gnomAD compares: Non-Finnish European, 0.024%; 1 homozygote.

Submissions (2):

Ambry Genetics
Classification: Uncertain significance for Inborn genetic diseases. Last evaluated: 2024-11-14. Review status: criteria provided, single submitter. Criteria: Ambry Variant Classification Scheme 2023. Collection method: clinical testing. Allele origin: germline.

Labcorp Genetics (formerly Invitae), Labcorp
Classification: Uncertain significance for Desbuquois dysplasia 1. Last evaluated: 2024-04-29. Review status: criteria provided, single submitter. Criteria: Invitae Variant Classification Sherloc (09022015). Collection method: clinical testing. Allele origin: germline.
Comment: This sequence change replaces serine, which is neutral and polar, with leucine, which is neutral and non-polar, at codon 14 of the XYLT1 protein (p.Ser14Leu). The frequency data for this variant in the population databases is considered unreliable, as metrics indicate poor data quality at this position in the gnomAD database. This variant has not been reported in the literature in individuals affected with XYLT1-related conditions. ClinVar contains an entry for this variant (Variation ID: 1423491). Experimental studies and prediction algorithms are not available or were not evaluated, and the functional significance of this variant is currently unknown. In summary, the available evidence is currently insufficient to determine the role of this variant in disease. Therefore, it has been classified as a Variant of Uncertain Significance.